The following is an entry in ClinVar:

ClinVar aggregate classification (germline): Pathogenic (1 of 4 stars; one submission).

Conditions:
Hereditary breast ovarian cancer syndrome. Also called: Hereditary breast and/or ovarian cancer syndrome; Hereditary breast and ovarian cancer syndrome; Breast and ovarian cancer; Hereditary breast and ovarian cancer syndrome (HBOC); BRCA1- and BRCA2-Associated Hereditary Breast and Ovarian Cancer; Hereditary breast and ovarian cancer. Identifiers: Orphanet 145, MedGen C0677776, MeSH D061325, MONDO:0003582. Disease mechanism: loss of function.

Submission:

Labcorp Genetics (formerly Invitae), Labcorp
Classification: Pathogenic for Hereditary breast ovarian cancer syndrome. Last evaluated: 2025-09-04. Review status: criteria provided, single submitter. Criteria: Invitae Variant Classification Sherloc (09022015). Collection method: clinical testing. Allele origin: germline.
Comment: This sequence change creates a premature translational stop signal (p.Leu1118Phefs*33) in the BRCA2 gene. It is expected to result in an absent or disrupted protein product. Loss-of-function variants in BRCA2 are known to be pathogenic (PMID: 20104584). This variant is not present in population databases (gnomAD no frequency). This variant has not been reported in the literature in individuals affected with BRCA2-related conditions. Algorithms developed to predict the effect of sequence changes on RNA splicing suggest that this variant may create or strengthen a splice site. For these reasons, this variant has been classified as Pathogenic.

Literature cited by the submitters: PubMed 20104584.

NM_000059.4(BRCA2):c.3353_3354insTC (p.Leu1118fs)

Gene: BRCA2 (BRCA2 DNA repair associated; plus strand). Cytogenetic location: 13q13.1.
Variant type: Insertion.
Coding change: c.3353_3354insTC on transcript NM_000059.4 (MANE Select); coding-DNA positions 3353 to 3354, TC inserted.
Protein change: p.Leu1118fs; shifts the reading frame from leucine 1118.
Molecular consequence: frameshift variant. On other transcripts: non-coding transcript variant (1), intron variant (2).
Genome position: GRCh38 VCF-style: chr13-32337708-T-TTC. GRCh37 (hg19) VCF-style: chr13-32911845-T-TTC.
Other names: c.3353_3354insTC, p.Leu1118fs (NM_001406719.1, NM_001406720.1, NM_001432077.1); c.1909+4321_1909+4322insTC (NM_001406721.1); c.424+6678_424+6679insTC (NM_001406722.1); short protein forms L1118fs.
Identifiers: ClinVar variation 4726271 (VCV004726271.1).